The following is an entry in ClinVar:

NM_001079872.2(CUL4B):c.215C>T (p.Pro72Leu)

Genes: CUL4B (cullin 4B; minus strand), LOC113845788 (Sharpr-MPRA regulatory region 11856; plus strand). Cytogenetic location: Xq24.
Variant type: single nucleotide variant.
Coding change: c.215C>T on transcript NM_001079872.2 (MANE Select); coding-DNA position 215, C replaced by T.
Protein change: p.Pro72Leu; replaces proline 72 with leucine.
Molecular consequence: missense variant.
Genome position (GRCh38, 1-based): chrX:120,560,424, G>A on the plus strand (C>T on the coding strand, the complement: CUL4B is on the minus strand). VCF-style: chrX-120560424-G-A. GRCh37 (hg19) VCF-style: chrX-119694279-G-A.
Other names: c.230C>T, p.Pro77Leu (NM_001330624.2); c.269C>T, p.Pro90Leu (NM_003588.4); short protein forms P72L, P77L, P90L.
Identifiers: ClinVar variation 3026268 (VCV003026268.22), dbSNP rs2521200050, ClinGen allele CA414205887.

ClinVar aggregate classification (germline): Uncertain significance (1 of 4 stars; one submission).

Allele frequency attached by ClinVar (database versions not stated): gnomAD exomes below 0.00001.
gnomAD v4.1: 2 of 1,210,280 alleles (0.00017%); highest among the groups gnomAD compares: Non-Finnish European, 0.00011%; no homozygotes.

Submission:

CeGaT Center for Human Genetics Tuebingen
Classification: Uncertain significance. Last evaluated: 2024-02-01. Review status: criteria provided, single submitter. Criteria: CeGaT Center For Human Genetics Tuebingen Variant Classification Criteria Version 2. Collection method: clinical testing. Allele origin: germline. Affected: yes. Observed: 1 variant allele.
Comment: CUL4B: PM2, BP4